The following is an entry in ClinVar:

ClinVar aggregate classification (germline): Uncertain significance (1 of 4 stars; one submission).

Conditions:
MHC class II deficiency. Also called: BLS, TYPE II; Bare lymphocyte syndrome 2. Identifiers: Orphanet 572, MedGen C5447452, MONDO:0008855.

Allele frequency attached by ClinVar (database versions not stated): gnomAD exomes below 0.00001; TOPMed 0.00001.
gnomAD v4.1: 1 of 1,611,716 alleles (0.000062%); highest among the groups gnomAD compares: African/African-American, 0.0013%; no homozygotes.

Submission:

Labcorp Genetics (formerly Invitae), Labcorp
Classification: Uncertain significance for MHC class II deficiency. Last evaluated: 2021-11-04. Review status: criteria provided, single submitter. Criteria: Invitae Variant Classification Sherloc (09022015). Collection method: clinical testing. Allele origin: germline.
Comment: This variant is not present in population databases (gnomAD no frequency). In summary, the available evidence is currently insufficient to determine the role of this variant in disease. Therefore, it has been classified as a Variant of Uncertain Significance. Algorithms developed to predict the effect of missense changes on protein structure and function output the following: SIFT: "Tolerated"; PolyPhen-2: "Benign"; Align-GVGD: "Class C0". The serine amino acid residue is found in multiple mammalian species, which suggests that this missense change does not adversely affect protein function. This variant has not been reported in the literature in individuals affected with CIITA-related conditions. This sequence change replaces proline, which is neutral and non-polar, with serine, which is neutral and polar, at codon 337 of the CIITA protein (p.Pro337Ser).

NM_000246.4(CIITA):c.1009C>T (p.Pro337Ser)

Gene: CIITA (class II major histocompatibility complex transactivator; plus strand). Cytogenetic location: 16p13.13.
Variant type: single nucleotide variant.
Coding change: c.1009C>T on transcript NM_000246.4 (MANE Select); coding-DNA position 1009, C replaced by T.
Protein change: p.Pro337Ser; replaces proline 337 with serine.
Molecular consequence: missense variant. On other transcripts: intron variant (1).
Genome position (GRCh38, 1-based): chr16:10,906,501, C>T. VCF-style: chr16-10906501-C-T. GRCh37 (hg19) VCF-style: chr16-11000358-C-T.
Other names: c.1012C>T, p.Pro338Ser (NM_001286402.1, NM_001379332.1); c.865C>T, p.Pro289Ser (NM_001379330.1); c.862C>T, p.Pro288Ser (NM_001379331.1); c.1009C>T, p.Pro337Ser (NM_001379333.1); c.940C>T, p.Pro314Ser (NM_001379334.1); c.859+1689C>T (NM_001286403.2); short protein forms P314S, P338S, P337S, P289S, P288S.
Identifiers: ClinVar variation 1478092 (VCV001478092.6), dbSNP rs1294067359, ClinGen allele CA394729590.